The following is an entry in ClinVar:

NM_004603.4(STX1A):c.678+171C>T

Gene: STX1A (syntaxin 1A; minus strand). Cytogenetic location: 7q11.23.
Variant type: single nucleotide variant.
Coding change: c.678+171C>T on transcript NM_004603.4 (MANE Select); 171 bases into the intron after coding-DNA position 678, C replaced by T.
Molecular consequence: intron variant.
Genome position (GRCh38, 1-based): chr7:73,702,674, G>A on the plus strand (C>T on the coding strand, the complement: STX1A is on the minus strand). VCF-style: chr7-73702674-G-A. GRCh37 (hg19) VCF-style: chr7-73117004-G-A.
Other names: c.678+171C>T (NM_001165903.2).
Identifiers: ClinVar variation 2657569 (VCV002657569.24), dbSNP rs151012188, ClinGen allele CA160084517.

ClinVar aggregate classification (germline): Likely benign (1 of 4 stars; one submission).

Allele frequency attached by ClinVar (database versions not stated): 1000 Genomes Project 30x 0.00297; 1000 Genomes Project 0.00339; TOPMed 0.00579; gnomAD 0.00606; gnomAD exomes 0.00762.
gnomAD v4.1: 11,027 of 1,481,612 alleles (0.74%); highest among the groups gnomAD compares: Non-Finnish European, 0.84%; 44 homozygotes.

Submission:

CeGaT Center for Human Genetics Tuebingen
Classification: Likely benign. Last evaluated: 2023-04-01. Review status: criteria provided, single submitter. Criteria: CeGaT Center For Human Genetics Tuebingen Variant Classification Criteria Version 2. Collection method: clinical testing. Allele origin: germline. Affected: yes. Observed: 2 variant alleles.
Comment: STX1A: BS1